The following is an entry in ClinVar:

NM_006785.4(MALT1):c.986-1G>C

Gene: MALT1 (MALT1 paracaspase; plus strand). Cytogenetic location: 18q21.32.
Variant type: single nucleotide variant.
Coding change: c.986-1G>C on transcript NM_006785.4 (MANE Select); the canonical splice acceptor site of the intron before coding-DNA position 986, G replaced by C.
Molecular consequence: splice acceptor variant.
Genome position (GRCh38, 1-based): chr18:58,715,934, G>C. VCF-style: chr18-58715934-G-C. GRCh37 (hg19) VCF-style: chr18-56383166-G-C.
Other names: c.953-1G>C (NM_173844.3).
Identifiers: ClinVar variation 1067741 (VCV001067741.7), dbSNP rs2144403413, ClinGen allele CA402573875.
Genomic context (GRCh38, chr18:58,715,934, plus strand): 5'-ATCTTTAACTCTGGAAATATACCATGGATCTTACATGTTTTGCTTTTTTATCTTTGTATA[G>C]ATAATAAAGAGCAAACAACTGACCAGCCTTTGGGTGAGTAGAACTTTAAAATGCATTATC-3'

ClinVar aggregate classification (germline): Likely pathogenic (1 of 4 stars; one submission).

Conditions:
Combined immunodeficiency due to MALT1 deficiency. Also called: Immunodeficiency 12. Identifiers: Orphanet 397964, MedGen C3809583, MONDO:0014197, OMIM 615468.

Submission:

Labcorp Genetics (formerly Invitae), Labcorp
Classification: Likely pathogenic for Combined immunodeficiency due to MALT1 deficiency. Last evaluated: 2020-03-23. Review status: criteria provided, single submitter. Criteria: Invitae Variant Classification Sherloc (09022015). Collection method: clinical testing. Allele origin: germline.
Comment: In summary, the currently available evidence indicates that the variant is pathogenic, but additional data are needed to prove that conclusively. Therefore, this variant has been classified as Likely Pathogenic. Donor and acceptor splice site variants typically lead to a loss of protein function (PMID: 16199547), and loss-of-function variants in MALT1 are known to be pathogenic (PMID: 23727036, 25627829). Algorithms developed to predict the effect of sequence changes on RNA splicing suggest that this variant may disrupt the consensus splice site, but this prediction has not been confirmed by published transcriptional studies. This variant has not been reported in the literature in individuals with MALT1-related conditions. This variant is not present in population databases (ExAC no frequency). This sequence change affects an acceptor splice site in intron 8 of the MALT1 gene. It is expected to disrupt RNA splicing and likely results in an absent or disrupted protein product.

Literature cited by the submitters: PubMed 16199547; PubMed 23727036; PubMed 25627829.